The following is an entry in ClinVar:

ClinVar aggregate classification (germline): Likely pathogenic (1 of 4 stars; one submission).

Conditions:
Marfan syndrome (MFS). Also called: FBN1-Related Marfan Syndrome; MARFAN SYNDROME, TYPE I; Marfan syndrome type 1; Marfan's syndrome; Marfan syndrome, classic. Identifiers: Orphanet 284963, Orphanet 558, MedGen C0024796, MONDO:0007947, OMIM 154700.
Familial thoracic aortic aneurysm and aortic dissection (TAAD). Also called: Thoracic aortic aneurysms and dissections. Identifiers: Orphanet 91387, MedGen C4707243, MONDO:0019625.

Submission:

Labcorp Genetics (formerly Invitae), Labcorp
Classification: Likely pathogenic for Marfan syndrome; Familial thoracic aortic aneurysm and aortic dissection. Last evaluated: 2025-03-30. Review status: criteria provided, single submitter. Criteria: Invitae Variant Classification Sherloc (09022015). Collection method: clinical testing. Allele origin: germline.
Comment: This sequence change replaces asparagine, which is neutral and polar, with serine, which is neutral and polar, at codon 1382 of the FBN1 protein (p.Asn1382Ser). This variant is not present in population databases (gnomAD no frequency). This missense change has been observed in individuals with Marfan syndrome (PMID: 7611299; internal data). Invitae Evidence Modeling of protein sequence and biophysical properties (such as structural, functional, and spatial information, amino acid conservation, physicochemical variation, residue mobility, and thermodynamic stability) indicates that this missense variant is expected to disrupt FBN1 protein function with a positive predictive value of 95%. Experimental studies have shown that this missense change affects FBN1 function (PMID: 17324963). This variant disrupts the p.Asn138 amino acid residue in FBN1. Other variant(s) that disrupt this residue have been observed in individuals with FBN1-related conditions (PMID: 18087243), which suggests that this may be a clinically significant amino acid residue. In summary, the currently available evidence indicates that the variant is pathogenic, but additional data are needed to prove that conclusively. Therefore, this variant has been classified as Likely Pathogenic.

Literature cited by the submitters: PubMed 7611299; PubMed 17324963; PubMed 18087243.

NM_000138.5(FBN1):c.4145A>G (p.Asn1382Ser)

Gene: FBN1 (fibrillin 1; minus strand). Cytogenetic location: 15q21.1.
Variant type: single nucleotide variant.
Coding change: c.4145A>G on transcript NM_000138.5 (MANE Select); coding-DNA position 4145, A replaced by G.
Protein change: p.Asn1382Ser; replaces asparagine 1382 with serine.
Molecular consequence: missense variant.
Genome position (GRCh38, 1-based): chr15:48,474,320, T>C on the plus strand (A>G on the coding strand, the complement: FBN1 is on the minus strand). VCF-style: chr15-48474320-T-C. GRCh37 (hg19) VCF-style: chr15-48766517-T-C.
Other names: c.4145A>G, p.Asn1382Ser (NM_001406716.1); short protein forms N1382S.
Identifiers: ClinVar variation 4783798 (VCV004783798.1).